The following is an entry in ClinVar:

NM_014875.3(KIF14):c.3566+3A>G

Gene: KIF14 (kinesin family member 14; minus strand). Cytogenetic location: 1q32.1.
Variant type: single nucleotide variant.
Coding change: c.3566+3A>G on transcript NM_014875.3 (MANE Select); 3 bases into the intron after coding-DNA position 3566, A replaced by G.
Molecular consequence: intron variant.
Genome position (GRCh38, 1-based): chr1:200,575,588, T>C on the plus strand (A>G on the coding strand, the complement: KIF14 is on the minus strand). VCF-style: chr1-200575588-T-C. GRCh37 (hg19) VCF-style: chr1-200544716-T-C.
Other names: c.2093+3A>G (NM_001305792.1).
Identifiers: ClinVar variation 1468444 (VCV001468444.6), dbSNP rs376873698, ClinGen allele CA1317233.

ClinVar aggregate classification (germline): Uncertain significance (1 of 4 stars; one submission).

Allele frequency attached by ClinVar (database versions not stated): gnomAD 0.00001; ExAC 0.00002; gnomAD exomes 0.00002 and 0.00005; TOPMed 0.00003; ESP Exome Variant Server 0.00008.
gnomAD v4.1: 76 of 1,567,446 alleles (0.0048%); highest among the groups gnomAD compares: Non-Finnish European, 0.0063%; no homozygotes.

Submission:

Labcorp Genetics (formerly Invitae), Labcorp
Classification: Uncertain significance. Last evaluated: 2021-12-03. Review status: criteria provided, single submitter. Criteria: Invitae Variant Classification Sherloc (09022015). Collection method: clinical testing. Allele origin: germline.
Comment: In summary, the available evidence is currently insufficient to determine the role of this variant in disease. Therefore, it has been classified as a Variant of Uncertain Significance. Variants that disrupt the consensus splice site are a relatively common cause of aberrant splicing (PMID: 17576681, 9536098). Algorithms developed to predict the effect of sequence changes on RNA splicing suggest that this variant may disrupt the consensus splice site. This variant has not been reported in the literature in individuals affected with KIF14-related conditions. The frequency data for this variant in the population databases is considered unreliable, as metrics indicate poor data quality at this position in the gnomAD database. This sequence change falls in intron 22 of the KIF14 gene. It does not directly change the encoded amino acid sequence of the KIF14 protein. It affects a nucleotide within the consensus splice site.

Literature cited by the submitters: PubMed 17576681; PubMed 9536098.